The following is an entry in ClinVar:

ClinVar aggregate classification (germline): Conflicting classifications of pathogenicity. Review status: criteria provided, conflicting classifications (1 of 4 stars). 7 submissions from 7 submitters: Uncertain significance (6); Likely benign (1). Last evaluated 2025-12-20.

Conditions:
Cardiovascular phenotype. Identifiers: MedGen CN230736.
Familial isolated arrhythmogenic right ventricular dysplasia. Identifiers: Orphanet 217656, MedGen C4274968, MONDO:0016342.
Cardiomyopathy (CMYO). Also called: Cardiomyopathies. Identifiers: Orphanet 167848, MedGen C0878544, MONDO:0004994, HP:0001638. Inheritance: Various modes of inheritance.
Arrhythmogenic right ventricular dysplasia 11. Also called: ARRHYTHMOGENIC RIGHT VENTRICULAR DYSPLASIA, FAMILIAL, 11; Arrhythmogenic right ventricular dysplasia 11 with mild palmoplantar keratoderma and woolly hair; Arrhythmogenic Right Ventricular Dysplasia/Cardiomyopathy11. Identifiers: MedGen C1864850, MONDO:0012506, OMIM 610476.

Allele frequency attached by ClinVar (database versions not stated): TOPMed 0.00006.
gnomAD v4.1: 172 of 1,613,882 alleles (0.011%); highest among the groups gnomAD compares: Non-Finnish European, 0.014%; no homozygotes.

Submissions (7):

Labcorp Genetics (formerly Invitae), Labcorp
Classification: Uncertain significance for Arrhythmogenic right ventricular dysplasia 11. Last evaluated: 2025-12-20. Review status: criteria provided, single submitter. Criteria: Invitae Variant Classification Sherloc (09022015). Collection method: clinical testing. Allele origin: germline.
Comment: This sequence change replaces arginine, which is basic and polar, with leucine, which is neutral and non-polar, at codon 798 of the DSC2 protein (p.Arg798Leu). This variant is present in population databases (rs61731921, gnomAD 0.009%). This missense change has been observed in individual(s) with clinical features of DSC2-related conditions (PMID: 31534214, 31983221). ClinVar contains an entry for this variant (Variation ID: 46179). Invitae Evidence Modeling of protein sequence and biophysical properties (such as structural, functional, and spatial information, amino acid conservation, physicochemical variation, residue mobility, and thermodynamic stability) indicates that this missense variant is not expected to disrupt DSC2 protein function with a negative predictive value of 80%. In summary, the available evidence is currently insufficient to determine the role of this variant in disease. Therefore, it has been classified as a Variant of Uncertain Significance.

All of Us Research Program, National Institutes of Health
Classification: Uncertain significance for Familial isolated arrhythmogenic right ventricular dysplasia. Last evaluated: 2024-08-06. Review status: criteria provided, single submitter. Criteria: ACMG Guidelines, 2015. Collection method: clinical testing. Allele origin: germline. Inheritance: Autosomal dominant inheritance. Observed: 31 variant alleles, 31 heterozygotes.
Comment: This missense variant replaces arginine with leucine at codon 798 of the DSC2 protein. Computational prediction suggests that this variant may not impact protein structure and function (internally defined REVEL score threshold <= 0.5, PMID: 27666373). To our knowledge, functional studies have not been reported for this variant. This variant has been reported in an individual affected with dilated cardiomyopathy (PMID: 31983221). This variant has aslo been identified in 11/282524 chromosomes in the general population by the Genome Aggregation Database (gnomAD). The available evidence is insufficient to determine the role of this variant in disease conclusively. Therefore, this variant is classified as a Variant of Uncertain Significance.

This study involves interpretation of variants in research participants for the purpose of population health screening. Participant phenotype was not available at the time of variant classification. Additional details can be found in publication PMID: 35346344, PMCID: PMC8962531

Color Diagnostics, LLC DBA Color Health
Classification: Uncertain significance for Cardiomyopathy. Last evaluated: 2024-02-07. Review status: criteria provided, single submitter. Criteria: ACMG Guidelines, 2015. Collection method: clinical testing. Allele origin: germline.
Comment: This missense variant replaces arginine with leucine at codon 798 of the DSC2 protein. Computational prediction suggests that this variant may not impact protein structure and function (internally defined REVEL score threshold <= 0.5, PMID: 27666373). To our knowledge, functional studies have not been reported for this variant. This variant has been reported in an individual affected with dilated cardiomyopathy (PMID: 31983221). This variant has aslo been identified in 11/282524 chromosomes in the general population by the Genome Aggregation Database (gnomAD). The available evidence is insufficient to determine the role of this variant in disease conclusively. Therefore, this variant is classified as a Variant of Uncertain Significance.

GeneDx
Classification: Uncertain significance. Last evaluated: 2023-01-26. Review status: criteria provided, single submitter. Criteria: GeneDx Variant Classification Process June 2021. Collection method: clinical testing. Allele origin: germline. Affected: yes.
Comment: Identified in association with sudden cardiac death and dilated cardiomyopathy (Lahrouchi et al, 2020; Mazzarotto et al., 2020); In silico analysis supports that this missense variant has a deleterious effect on protein structure/function; This variant is associated with the following publications: (PMID: 31534214, 31983221)

Ambry Genetics
Classification: Likely benign for Cardiovascular phenotype. Last evaluated: 2022-11-04. Review status: criteria provided, single submitter. Criteria: Ambry Variant Classification Scheme 2023. Collection method: clinical testing. Allele origin: germline.

Fulgent Genetics
Classification: Uncertain significance for Arrhythmogenic right ventricular dysplasia 11. Last evaluated: 2022-02-23. Review status: criteria provided, single submitter. Criteria: ACMG Guidelines, 2015. Collection method: clinical testing. Allele origin: unknown.

Laboratory for Molecular Medicine, Mass General Brigham Personalized Medicine
Classification: Uncertain significance. Last evaluated: 2013-01-11. Review status: criteria provided, single submitter. Criteria: LMM Criteria. Collection method: clinical testing. Allele origin: germline. Observed: 1 variant allele.
Comment: Variant classified as Uncertain Significance - Favor Benign. The Arg798Leu varia nt in DSC2 has not been reported in the literature nor previously identified by our laboratory. This variant has also not been identified in large and broad Eur opean American and African American populations by the NHLBI Exome Sequencing Pr oject. However, we cannot exclude that it may be common in other populations. Arginine (Arg) at position 798 is not conserved in evolution, suggesting that a change may be tolerated. Computational analyses (biochemical amino acid properties, AlignGVGD, PolyPhen2, and SIFT) do not prov ide strong support for or against an impact to the protein. Although this data s upports that the Arg798Leu variant may be benign, additional studies are needed to fully assess its clinical significance.

Literature cited by the submitters: PubMed 31534214 (cited by Labcorp Genetics (formerly Invitae), Labcorp and Ambry Genetics); PubMed 31983221 (cited by 4 submitters).

NM_024422.6(DSC2):c.2393G>T (p.Arg798Leu)

Gene: DSC2 (desmocollin 2; minus strand). Cytogenetic location: 18q12.1.
Variant type: single nucleotide variant.
Coding change: c.2393G>T on transcript NM_024422.6 (MANE Select); coding-DNA position 2393, G replaced by T.
Protein change: p.Arg798Leu; replaces arginine 798 with leucine.
Molecular consequence: missense variant.
Genome position (GRCh38, 1-based): chr18:31,069,009, C>A on the plus strand (G>T on the coding strand, the complement: DSC2 is on the minus strand). VCF-style: chr18-31069009-C-A. GRCh37 (hg19) VCF-style: chr18-28648975-C-A.
Other names: c.2393G>T, p.Arg798Leu (NM_004949.5); short protein forms R798L.
Identifiers: ClinVar variation 46179 (VCV000046179.25), dbSNP rs61731921, ClinGen allele CA022702.